The following is an entry in ClinVar:

NM_001367624.2(ZNF469):c.7496C>T (p.Pro2499Leu)

Gene: ZNF469 (zinc finger protein 469; plus strand). Cytogenetic location: 16q24.2.
Variant type: single nucleotide variant.
Coding change: c.7496C>T on transcript NM_001367624.2 (MANE Select); coding-DNA position 7496, C replaced by T.
Protein change: p.Pro2499Leu; replaces proline 2499 with leucine.
Molecular consequence: missense variant.
Genome position (GRCh38, 1-based): chr16:88,434,966, C>T. VCF-style: chr16-88434966-C-T. GRCh37 (hg19) VCF-style: chr16-88501374-C-T.
Other names: NM_001127464.1:c.7412C>T; short protein forms P2499L.
Identifiers: ClinVar variation 2723466 (VCV002723466.6), dbSNP rs1015197481, ClinGen allele CA286382768.

ClinVar aggregate classification (germline): Conflicting classifications of pathogenicity. Review status: criteria provided, conflicting classifications (1 of 4 stars). 3 submissions from 3 submitters: Uncertain significance (2); Likely benign (1). Last evaluated 2026-05-27.

Conditions:
Cardiovascular phenotype. Identifiers: MedGen CN230736.

gnomAD v4.1: 17 of 1,549,784 alleles (0.0011%); highest among the groups gnomAD compares: African/African-American, 0.0096%; no homozygotes.

Submissions (3):

Women's Health and Genetics/Laboratory Corporation of America, LabCorp
Classification: Uncertain significance. Last evaluated: 2026-05-27. Review status: criteria provided, single submitter. Criteria: LabCorp Variant Classification Summary - May 2015. Collection method: clinical testing. Allele origin: germline.
Comment: Variant summary: ZNF469 c.7496C>T (p.Pro2499Leu) results in a non-conservative amino acid change in the encoded protein sequence. Algorithms developed to predict the effect of missense changes on protein structure and function are either unavailable or do not agree on the potential impact of this missense change. The variant allele was found at a frequency of 3.4e-05 in 148306 control chromosomes. The available data on variant occurrences in the general population are insufficient to allow any conclusion about variant significance. To our knowledge, no occurrence of c.7496C>T in individuals affected with ZNF469-related conditions and no experimental evidence demonstrating its impact on protein function have been reported. ClinVar contains an entry for this variant (Variation ID: 2723466). Based on the evidence outlined above, the variant was classified as uncertain significance.

Labcorp Genetics (formerly Invitae), Labcorp
Classification: Uncertain significance. Last evaluated: 2024-06-13. Review status: criteria provided, single submitter. Criteria: Invitae Variant Classification Sherloc (09022015). Collection method: clinical testing. Allele origin: germline.
Comment: This sequence change replaces proline, which is neutral and non-polar, with leucine, which is neutral and non-polar, at codon 2471 of the ZNF469 protein (p.Pro2471Leu). This variant is present in population databases (no rsID available, gnomAD 0.02%). This variant has not been reported in the literature in individuals affected with ZNF469-related conditions. An algorithm developed to predict the effect of missense changes on protein structure and function (PolyPhen-2) suggests that this variant¬¨‚Ä†is likely to be tolerated. In summary, the available evidence is currently insufficient to determine the role of this variant in disease. Therefore, it has been classified as a Variant of Uncertain Significance.

Ambry Genetics
Classification: Likely benign for Cardiovascular phenotype. Last evaluated: 2024-01-16. Review status: criteria provided, single submitter. Criteria: Ambry Variant Classification Scheme 2023. Collection method: clinical testing. Allele origin: germline.